The following is an entry in ClinVar:

NM_004522.3(KIF5C):c.1569+57T>G

Gene: KIF5C (kinesin family member 5C; plus strand). Cytogenetic location: 2q23.1.
Variant type: single nucleotide variant.
Coding change: c.1569+57T>G on transcript NM_004522.3 (MANE Select); 57 bases into the intron after coding-DNA position 1569, T replaced by G.
Molecular consequence: intron variant.
Genome position (GRCh38, 1-based): chr2:148,981,618, T>G. VCF-style: chr2-148981618-T-G. GRCh37 (hg19) VCF-style: chr2-149838132-T-G.
Identifiers: ClinVar variation 682898 (VCV000682898.2), dbSNP rs11901442, ClinGen allele CA11163919.

ClinVar aggregate classification (germline): Benign. Review status: criteria provided, multiple submitters, no conflicts (2 of 4 stars). 2 submissions from 2 submitters: Benign (2). Last evaluated 2018-06-16.

Allele frequency attached by ClinVar (database versions not stated): gnomAD exomes 0.07833; 1000 Genomes Project 0.12800; gnomAD 0.12975 and 0.13501; 1000 Genomes Project 30x 0.13554; TOPMed 0.14181.
gnomAD v4.1: 126,418 of 1,505,110 alleles (8.4%); highest among the groups gnomAD compares: African/African-American, 28%; 7,031 homozygotes.

Submissions (2):

GeneDx
Classification: Benign. Last evaluated: 2018-06-16. Review status: criteria provided, single submitter. Criteria: GeneDx Variant Classification (06012015). Collection method: clinical testing. Allele origin: germline. Affected: yes.
Comment: This variant is considered likely benign or benign based on one or more of the following criteria: it is a conservative change, it occurs at a poorly conserved position in the protein, it is predicted to be benign by multiple in silico algorithms, and/or has population frequency not consistent with disease.

Breakthrough Genomics
Classification: Benign. Review status: criteria provided, single submitter. Criteria: ACMG Guidelines, 2015. Collection method: not provided. Allele origin: germline. Inheritance: Autosomal dominant inheritance. Affected: yes.